The following is an entry in ClinVar:

ClinVar aggregate classification (germline): Uncertain significance (1 of 4 stars; one submission).

Conditions:
RASopathy. Also called: rasopathies; Noonan spectrum disorder. Identifiers: Orphanet 536391, MedGen C5555857, MONDO:0021060.

Submission:

Labcorp Genetics (formerly Invitae), Labcorp
Classification: Uncertain significance for RASopathy. Last evaluated: 2024-01-02. Review status: criteria provided, single submitter. Criteria: Invitae Variant Classification Sherloc (09022015). Collection method: clinical testing. Allele origin: germline.
Comment: This sequence change replaces serine, which is neutral and polar, with proline, which is neutral and non-polar, at codon 407 of the CBL protein (p.Ser407Pro). This variant is not present in population databases (gnomAD no frequency). This variant has not been reported in the literature in individuals affected with CBL-related conditions. Advanced modeling of protein sequence and biophysical properties (such as structural, functional, and spatial information, amino acid conservation, physicochemical variation, residue mobility, and thermodynamic stability) performed at Invitae indicates that this missense variant is not expected to disrupt CBL protein function with a negative predictive value of 95%. In summary, the available evidence is currently insufficient to determine the role of this variant in disease. Therefore, it has been classified as a Variant of Uncertain Significance.

NM_005188.4(CBL):c.1219T>C (p.Ser407Pro)

Gene: CBL (Cbl proto-oncogene; plus strand). Cytogenetic location: 11q23.3.
Variant type: single nucleotide variant.
Coding change: c.1219T>C on transcript NM_005188.4 (MANE Select); coding-DNA position 1219, T replaced by C.
Protein change: p.Ser407Pro; replaces serine 407 with proline.
Molecular consequence: missense variant.
Genome position (GRCh38, 1-based): chr11:119,278,289, T>C. VCF-style: chr11-119278289-T-C. GRCh37 (hg19) VCF-style: chr11-119148999-T-C.
Other names: short protein forms S407P.
Identifiers: ClinVar variation 2706548 (VCV002706548.3), dbSNP rs2135303900, ClinGen allele CA382912895.
Genomic context (GRCh38, chr11:119,278,289, plus strand): 5'-AATGATAAGGATGTAAAGATTGAGCCCTGTGGACACCTCATGTGCACATCCTGTCTTACA[T>C]CCTGGCAGGTACGGATCTAAACAGCGACTTTTTTCAGCTATGTAATAACCTTGGAAAATT-3'
Protein context (NP_005179.2, residues 397-417): GHLMCTSCLT[Ser407Pro]WQESEGQGCP